The following is an entry in ClinVar:

ClinVar aggregate classification (germline): Uncertain significance (1 of 4 stars; one submission).

Conditions:
Catecholaminergic polymorphic ventricular tachycardia 1. Also called: VENTRICULAR TACHYCARDIA, STRESS-INDUCED POLYMORPHIC 1; VENTRICULAR TACHYCARDIA, CATECHOLAMINERGIC POLYMORPHIC, 1, WITH OR WITHOUT ATRIAL DYSFUNCTION AND/OR DILATED CARDIOMYOPATHY; RYR2-Related Catecholaminergic Polymorphic Ventricular Tachycardia. Identifiers: Orphanet 3286, MedGen C1631597, MONDO:0011484, OMIM 604772.

gnomAD v4.1: 1 of 1,565,132 alleles (0.000064%); highest among the groups gnomAD compares: Non-Finnish European, 0.000087%; no homozygotes.

Submission:

Labcorp Genetics (formerly Invitae), Labcorp
Classification: Uncertain significance for Catecholaminergic polymorphic ventricular tachycardia 1. Last evaluated: 2024-02-18. Review status: criteria provided, single submitter. Criteria: Invitae Variant Classification Sherloc (09022015). Collection method: clinical testing. Allele origin: germline.
Comment: This sequence change replaces leucine, which is neutral and non-polar, with valine, which is neutral and non-polar, at codon 113 of the RYR2 protein (p.Leu113Val). This variant is present in population databases (no rsID available, gnomAD 0.001%). This variant has not been reported in the literature in individuals affected with RYR2-related conditions. Advanced modeling of protein sequence and biophysical properties (such as structural, functional, and spatial information, amino acid conservation, physicochemical variation, residue mobility, and thermodynamic stability) performed at Invitae indicates that this missense variant is expected to disrupt RYR2 protein function with a positive predictive value of 95%. In summary, the available evidence is currently insufficient to determine the role of this variant in disease. Therefore, it has been classified as a Variant of Uncertain Significance.

NM_001035.3(RYR2):c.337C>G (p.Leu113Val)

Gene: RYR2 (ryanodine receptor 2; plus strand). Cytogenetic location: 1q43.
Variant type: single nucleotide variant.
Coding change: c.337C>G on transcript NM_001035.3 (MANE Select); coding-DNA position 337, C replaced by G.
Protein change: p.Leu113Val; replaces leucine 113 with valine.
Molecular consequence: missense variant.
Genome position (GRCh38, 1-based): chr1:237,369,561, C>G. VCF-style: chr1-237369561-C-G. GRCh37 (hg19) VCF-style: chr1-237532861-C-G.
Other names: short protein forms L113V.
Identifiers: ClinVar variation 3684415 (VCV003684415.2).